The following is an entry in ClinVar:

NM_004247.4(EFTUD2):c.2130C>T (p.Asn710=)

Gene: EFTUD2 (elongation factor Tu GTP binding domain containing 2; minus strand). Cytogenetic location: 17q21.31.
Variant type: single nucleotide variant.
Coding change: c.2130C>T on transcript NM_004247.4 (MANE Select); coding-DNA position 2130, C replaced by T.
Protein change: p.Asn710=; no amino-acid change (asparagine 710 retained).
Molecular consequence: synonymous variant.
Genome position (GRCh38, 1-based): chr17:44,854,920, G>A on the plus strand (C>T on the coding strand, the complement: EFTUD2 is on the minus strand). VCF-style: chr17-44854920-G-A. GRCh37 (hg19) VCF-style: chr17-42932288-G-A.
Other names: c.2025C>T, p.Asn675= (NM_001142605.2); c.2130C>T, p.Asn710= (NM_001258353.2); c.2100C>T, p.Asn700= (NM_001258354.2); c.2130C>T (NM_004247.3).
Identifiers: ClinVar variation 2191922 (VCV002191922.6), dbSNP rs572335936, ClinGen allele CA8607582.
Genomic context (GRCh38, chr17:44,854,920, plus strand): 5'-AGTTAAACTGTGGCATCCCTGCCTCCTTTCGACCCTGGCGTCAGAGCCCTGTTCTCACCT[G>A]TTCCACGTAATCTGGACCACCTCATTCTCTATGTCCTCTGCCAGGCCCTTCTCAAGAGGC-3'
Protein context (NP_004238.3, residues 700-720): IENEVVQITW[Asn710=]RKKLGEFFQT

ClinVar aggregate classification (germline): Benign/Likely benign. Review status: criteria provided, multiple submitters, no conflicts (2 of 4 stars). 2 submissions from 2 submitters: Benign (1); Likely benign (1). Last evaluated 2026-01-10.

Conditions:
EFTUD2-related disorder. Also called: EFTUD2-related condition.

Allele frequency attached by ClinVar (database versions not stated): TOPMed below 0.00001; gnomAD 0.00003; gnomAD exomes 0.00006; ExAC 0.00012; 1000 Genomes Project 30x 0.00016; 1000 Genomes Project 0.00020.
gnomAD v4.1: 95 of 1,614,074 alleles (0.0059%); highest among the groups gnomAD compares: South Asian, 0.097%; 1 homozygote.

Submissions (3):

PreventionGenetics, part of Exact Sciences
Classification: Likely benign for EFTUD2-related condition. Last evaluated: 2026-01-10. Review status: criteria provided, single submitter. Criteria: ACMG Guidelines, 2015. Collection method: clinical testing. Allele origin: germline.
Comment: This variant is classified as likely benign based on ACMG/AMP sequence variant interpretation guidelines (Richards et al. 2015 PMID: 25741868, with internal and published modifications).

Labcorp Genetics (formerly Invitae), Labcorp
Classification: Benign. Last evaluated: 2025-07-28. Review status: criteria provided, single submitter. Criteria: Invitae Variant Classification Sherloc (09022015). Collection method: clinical testing. Allele origin: germline.

Dr. Peter K. Rogan Lab, Western University
No classification provided (evidence only). Condition: Ovarian serous cystadenocarcinoma. Review status: no classification provided. Collection method: in vitro. Allele origin: not applicable. Functional consequence: retained intron. Not counted in ClinVar's aggregate classification.